The following is an entry in ClinVar:

NM_004655.4(AXIN2):c.956+10C>T

Gene: AXIN2 (axin 2; minus strand). Cytogenetic location: 17q24.1.
Variant type: single nucleotide variant.
Coding change: c.956+10C>T on transcript NM_004655.4 (MANE Select); 10 bases into the intron after coding-DNA position 956, C replaced by T.
Molecular consequence: intron variant.
Genome position (GRCh38, 1-based): chr17:65,549,510, G>A on the plus strand (C>T on the coding strand, the complement: AXIN2 is on the minus strand). VCF-style: chr17-65549510-G-A. GRCh37 (hg19) VCF-style: chr17-63545628-G-A.
Other names: c.956+10C>T (NM_001363813.1).
Identifiers: ClinVar variation 3254316 (VCV003254316.1), dbSNP rs1598110288.
Genomic context (GRCh38, chr17:65,549,510, plus strand): 5'-GATTCTGGCTAAGTGCTCAGGTGGCATCCACTCCCAAGCAAGCCCACGGAAGGGTGGCCA[G>A]GATACTCACACACTGCTGTCCGTCATGGACATGGAATCATCCGTCAGCGCATCACTGGAT-3'

ClinVar aggregate classification (germline): Likely benign (1 of 4 stars; one submission).

Conditions:
Oligodontia-cancer predisposition syndrome. Also called: TOOTH AGENESIS-COLORECTAL CANCER SYNDROME. Identifiers: Orphanet 300576, MedGen C1837750, MONDO:0012075, OMIM 608615. Disease mechanism: loss of function.

Submission:

Myriad Genetics, Inc.
Classification: Likely benign for Oligodontia-cancer predisposition syndrome. Last evaluated: 2024-06-28. Review status: criteria provided, single submitter. Criteria: Myriad Autosomal Dominant, Autosomal Recessive and X-Linked Classification Criteria (2023). Collection method: clinical testing. Allele origin: unknown.
Comment: This variant is considered likely benign. This variant is intronic and is not expected to impact mRNA splicing.